The following is an entry in ClinVar:

ClinVar aggregate classification (germline): Conflicting classifications of pathogenicity. Review status: criteria provided, conflicting classifications (1 of 4 stars). 9 submissions from 9 submitters: Pathogenic (1); Likely pathogenic (1); Uncertain significance (7). Last evaluated 2026-02-01.

Conditions:
Dilated cardiomyopathy 1S (CMD1S). Identifiers: Orphanet 154, Orphanet 54260, MedGen C1834481, MONDO:0013262, OMIM 613426.
Hypertrophic cardiomyopathy 1 (CMH1). Also called: Familial hypertrophic cardiomyopathy 1; MYH7-Related Familial Hypertrophic Cardiomyopathy. Identifiers: MedGen C3495498, MONDO:0008647, OMIM 192600.
Cardiomyopathy (CMYO). Also called: Cardiomyopathies. Identifiers: Orphanet 167848, MedGen C0878544, MONDO:0004994, HP:0001638. Inheritance: Various modes of inheritance.
Cardiovascular phenotype. Identifiers: MedGen CN230736.
Hypertrophic cardiomyopathy. Also called: HYPERTROPHIC MYOCARDIOPATHY. Identifiers: Orphanet 217569, MedGen C0007194, MeSH D002312, MONDO:0005045, HP:0001639.

Allele frequency attached by ClinVar (database versions not stated): ExAC 0.00001; gnomAD exomes 0.00001; gnomAD 0.00002; TOPMed 0.00002; ESP Exome Variant Server 0.00008.

Submissions 1 to 7 of 9:

Labcorp Genetics (formerly Invitae), Labcorp
Classification: Uncertain significance for Hypertrophic cardiomyopathy. Last evaluated: 2026-02-01. Review status: criteria provided, single submitter. Criteria: Invitae Variant Classification Sherloc (09022015). Collection method: clinical testing. Allele origin: germline.
Comment: This sequence change replaces arginine, which is basic and polar, with histidine, which is basic and polar, at codon 807 of the MYH7 protein (p.Arg807His). This variant is present in population databases (rs141414377, gnomAD 0.006%). This missense change has been observed in individual(s) with MYH7-related conditions (PMID: 28790153, 31983221, 36252119, 37652022). ClinVar contains an entry for this variant (Variation ID: 391904). Invitae Evidence Modeling of protein sequence and biophysical properties (such as structural, functional, and spatial information, amino acid conservation, physicochemical variation, residue mobility, and thermodynamic stability) indicates that this missense variant is expected to disrupt MYH7 protein function with a positive predictive value of 95%. In summary, the available evidence is currently insufficient to determine the role of this variant in disease. Therefore, it has been classified as a Variant of Uncertain Significance.

Victorian Clinical Genetics Services, Murdoch Childrens Research Institute
Classification: Uncertain significance for Cardiomyopathy. Last evaluated: 2025-10-06. Review status: criteria provided, single submitter. Criteria: ACMG Guidelines, 2015. Collection method: clinical testing. Allele origin: germline. Affected: yes.
Comment: This variant is classified as VUS-3A. Evidence in support of pathogenic classification: Variant is present in gnomAD <0.01 (v4: 16 heterozygote(s), 0 homozygote(s)); Variant is located in a hotspot region or cluster of pathogenic variants. This variant is found within the head region, which is enriched with pathogenic missense variants (PMID: 29300372); Missense variant predicted to be damaging by in silico tool(s) or highly conserved with a major amino acid change. Additional information: Variant is predicted to result in a missense amino acid change from arginine to histidine; This variant is heterozygous; This gene is associated with both recessive and dominant disease. Disease associated with this gene usually has autosomal dominant inheritance; however, a recessive inheritance pattern has been observed in severe cases (OMIM); Alternative amino acid change(s) at the same position are present in gnomAD (Highest allele count: v4: 5 heterozygote(s), 0 homozygote(s)); Previous evidence of pathogenicity for this variant is inconclusive. This variant has been reported in an individual with hypertrophic cardiomyopathy (HCM) who also harbours another pathogenic variant in MYH7 (VCGS internal cohort; ClinVar; PMIDs: 28790153, 32228044, 36252119). This variant has also been reported in a heterozygous state in individuals with DCM, LVNC, and heart failure (PMIDs: 31983221, 29773157, DECIPHER, personal communication with ClinVar laboratories), and in a homozygous state in individual with DCM (PMID: 33954932). However, this variant has been identified in individuals without a cardiac condition, and has been classified as a VUS or pathogenic by clinical laboratories in ClinVar; No published segregation evidence has been identified for this variant; No published functional evidence has been identified for this variant; Other missense variants comparable to the one identified in this case have conflicting previous evidence for pathogenicity. The p.(Arg807Pro) variant has been classified as likely pathogenic by a clinical laboratory in ClinVar and reported in the literature in an individual with HCM and sudden cardiac death (PMID: 36357925). However, p.(Arg807Gly) detected in association with left ventricular noncompaction, was regarded as both VUS and likely pathogenic (PMIDs: 30471092, 34819141). The p.(Arg807Cys) variant has been classified as a VUS and as likely pathogenic by clinical laboratories in ClinVar, and reported in the literature in an individual with dilated cardiomyopathy (DCM) (PMID: 37904629). It has also been reported in an individual with cardiomyopathy; however, it did not segregate with disease in affected family members (PMID: 39237976); The mechanism of disease for this gene is not clearly established; however, missense variants have been proposed to act in a dominant negative manner (PMID: 24714796); The condition associated with this gene has incomplete penetrance (PMID: 29300372); Parental origin of the variant is unresolved.

Color Diagnostics, LLC DBA Color Health
Classification: Uncertain significance for Cardiomyopathy. Last evaluated: 2025-09-15. Review status: criteria provided, single submitter. Criteria: ACMG Guidelines, 2015. Collection method: clinical testing. Allele origin: germline.
Comment: This missense variant replaces arginine with histidine at codon 807 of the MYH7 protein. Computational prediction suggests that this variant may have a deleterious impact on protein structure and function. This variant is found within a highly conserved region of the myosin head domain. Missense variants in this region have been shown to be significantly overrepresented in individuals with hypertrophic cardiomyopathy (PMID: 27532257). To our knowledge, functional studies have not been reported for this variant. This variant has been reported in an individual affected with hypertrophic cardiomyopathy (PMID: 28790153, 32228044) and in an individual affected with dilated cardiomyopathy (PMID: 31983221). This variant has been identified in 4/282844 chromosomes in the general population by the Genome Aggregation Database (gnomAD). The available evidence is insufficient to determine the role of this variant in disease conclusively. Therefore, this variant is classified as a Variant of Uncertain Significance.

Mayo Clinic Laboratories, Mayo Clinic
Classification: Uncertain significance. Last evaluated: 2025-08-23. Review status: criteria provided, single submitter. Criteria: ACMG Guidelines, 2015. Collection method: clinical testing. Allele origin: germline. Observed: 1 variant allele.
Comment: PP3, PM1, PM2_supporting, PS4_supporting

GeneDx
Classification: Uncertain significance. Last evaluated: 2025-03-31. Review status: criteria provided, single submitter. Criteria: GeneDx Variant Classification Process June 2021. Collection method: clinical testing. Allele origin: germline. Affected: yes.
Comment: Identified in patients with HCM or DCM in published literature; at least one patient also harbored a pathogenic variant in another cardiomyopathy gene (PMID: 28790153, 37652022, 36252119, 31983221); Identified in the apparent homozygous state in a patient with DCM (PMID: 33954932); In silico analysis supports that this missense variant has a deleterious effect on protein structure/function; Not observed at significant frequency in large population cohorts (gnomAD); This variant is associated with the following publications: (PMID: 23403236, 37652022, 33954932, 32228044, 12974739, 31983221, 36252119, 28790153, 27532257, 29300372)

All of Us Research Program, National Institutes of Health
Classification: Uncertain significance for Cardiomyopathy. Last evaluated: 2023-12-01. Review status: criteria provided, single submitter. Criteria: ACMG Guidelines, 2015. Collection method: clinical testing. Allele origin: germline. Inheritance: Autosomal dominant inheritance. Observed: 4 variant alleles, 4 heterozygotes.
Comment: This missense variant replaces arginine with histidine at codon 807 of the MYH7 protein. Computational prediction suggests that this variant may have a deleterious impact on protein structure and function (internally defined REVEL score threshold >= 0.7, PMID: 27666373). This variant is found within a highly conserved region of the myosin head domain. Missense variants in this region have been shown to be significantly overrepresented in individuals with hypertrophic cardiomyopathy (PMID: 27532257). To our knowledge, functional studies have not been reported for this variant. This variant has been reported in an individual affected with hypertrophic cardiomyopathy (PMID: 28790153, 32228044) and in an individual affected with dilated cardiomyopathy (PMID: 31983221). This variant has been identified in 4/282844 chromosomes in the general population by the Genome Aggregation Database (gnomAD). The available evidence is insufficient to determine the role of this variant in disease conclusively. Therefore, this variant is classified as a Variant of Uncertain Significance.

This study involves interpretation of variants in research participants for the purpose of population health screening. Participant phenotype was not available at the time of variant classification. Additional details can be found in publication PMID: 35346344, PMCID: PMC8962531

Clinical Center for Gene Diagnosis and Therapy, Department of Cardiovascular Surgery, The Second Xiangya Hospital of Central South University
Classification: Pathogenic for Dilated cardiomyopathy 1S. Last evaluated: 2023-06-01. Review status: criteria provided, single submitter. Criteria: ACMG Guidelines, 2015. Collection method: clinical testing. Allele origin: germline. Affected: yes.

NM_000257.4(MYH7):c.2420G>A (p.Arg807His)

Genes: MYH7 (myosin heavy chain 7; minus strand), LOC126861898 (BRD4-independent group 4 enhancer GRCh37_chr14:23893609-23894808; plus strand). Cytogenetic location: 14q11.2.
Variant type: single nucleotide variant.
Coding change: c.2420G>A on transcript NM_000257.4 (MANE Select); coding-DNA position 2420, G replaced by A.
Protein change: p.Arg807His; replaces arginine 807 with histidine.
Molecular consequence: missense variant.
Genome position (GRCh38, 1-based): chr14:23,425,285, C>T on the plus strand (G>A on the coding strand, the complement: MYH7 is on the minus strand). VCF-style: chr14-23425285-C-T. GRCh37 (hg19) VCF-style: chr14-23894494-C-T.
Other names: p.Arg807His; c.2420G>A (LRG_384t1); short protein forms R807H.
Identifiers: ClinVar variation 391904 (VCV000391904.31), dbSNP rs141414377, ClinGen allele CA032556.